The following is an entry in ClinVar:

ClinVar aggregate classification (germline): Uncertain significance. Review status: criteria provided, multiple submitters, no conflicts (2 of 4 stars). 2 submissions from 2 submitters: Uncertain significance (2). Last evaluated 2024-06-04.

gnomAD v4.1: 65 of 1,614,056 alleles (0.004%); highest among the groups gnomAD compares: African/African-American, 0.0053%; no homozygotes.

Submissions (2):

GeneDx
Classification: Uncertain significance. Last evaluated: 2024-06-04. Review status: criteria provided, single submitter. Criteria: GeneDx Variant Classification Process June 2021. Collection method: clinical testing. Allele origin: germline. Affected: yes.
Comment: Not observed at significant frequency in large population cohorts (gnomAD); In silico analysis indicates that this missense variant does not alter protein structure/function; Has not been previously published as pathogenic or benign to our knowledge

Labcorp Genetics (formerly Invitae), Labcorp
Classification: Uncertain significance. Last evaluated: 2024-05-13. Review status: criteria provided, single submitter. Criteria: Invitae Variant Classification Sherloc (09022015). Collection method: clinical testing. Allele origin: germline.
Comment: This sequence change replaces arginine, which is basic and polar, with glutamine, which is neutral and polar, at codon 458 of the TRAPPC9 protein (p.Arg458Gln). This variant is present in population databases (rs770502154, gnomAD 0.009%). This variant has not been reported in the literature in individuals affected with TRAPPC9-related conditions. An algorithm developed to predict the effect of missense changes on protein structure and function (PolyPhen-2) suggests that this variant is likely to be disruptive. In summary, the available evidence is currently insufficient to determine the role of this variant in disease. Therefore, it has been classified as a Variant of Uncertain Significance.

NM_001160372.4(TRAPPC9):c.1079G>A (p.Arg360Gln)

Gene: TRAPPC9 (trafficking protein particle complex subunit 9; minus strand). Cytogenetic location: 8q24.3.
Variant type: single nucleotide variant.
Coding change: c.1079G>A on transcript NM_001160372.4 (MANE Select); coding-DNA position 1079, G replaced by A.
Protein change: p.Arg360Gln; replaces arginine 360 with glutamine.
Molecular consequence: missense variant. On other transcripts: non-coding transcript variant (1).
Genome position (GRCh38, 1-based): chr8:140,397,675, C>T on the plus strand (G>A on the coding strand, the complement: TRAPPC9 is on the minus strand). VCF-style: chr8-140397675-C-T. GRCh37 (hg19) VCF-style: chr8-141407774-C-T.
Other names: c.1052G>A, p.Arg351Gln (NM_001321646.2); c.1100G>A, p.Arg367Gln (NM_001374682.1); c.1079G>A, p.Arg360Gln (NM_001374683.1, NM_001374684.1, NM_031466.8); short protein forms R351Q, R360Q, R367Q.
Identifiers: ClinVar variation 3384238 (VCV003384238.3).